The following is an entry in ClinVar:

ClinVar aggregate classification (germline): Uncertain significance (1 of 4 stars; one submission).

Submission:

Labcorp Genetics (formerly Invitae), Labcorp
Classification: Uncertain significance. Last evaluated: 2024-02-17. Review status: criteria provided, single submitter. Criteria: Invitae Variant Classification Sherloc (09022015). Collection method: clinical testing. Allele origin: germline.
Comment: This sequence change replaces glutamic acid, which is acidic and polar, with aspartic acid, which is acidic and polar, at codon 80 of the BACH2 protein (p.Glu80Asp). This variant is not present in population databases (gnomAD no frequency). This variant has not been reported in the literature in individuals affected with BACH2-related conditions. ClinVar contains an entry for this variant (Variation ID: 1395506). Advanced modeling of protein sequence and biophysical properties (such as structural, functional, and spatial information, amino acid conservation, physicochemical variation, residue mobility, and thermodynamic stability) performed at Invitae indicates that this missense variant is not expected to disrupt BACH2 protein function with a negative predictive value of 80%. In summary, the available evidence is currently insufficient to determine the role of this variant in disease. Therefore, it has been classified as a Variant of Uncertain Significance.

NM_021813.4(BACH2):c.240G>T (p.Glu80Asp)

Gene: BACH2 (BACH transcriptional regulator 2; minus strand). Cytogenetic location: 6q15.
Variant type: single nucleotide variant.
Coding change: c.240G>T on transcript NM_021813.4 (MANE Select); coding-DNA position 240, G replaced by T.
Protein change: p.Glu80Asp; replaces glutamic acid 80 with aspartic acid.
Molecular consequence: missense variant.
Genome position (GRCh38, 1-based): chr6:90,008,605, C>A on the plus strand (G>T on the coding strand, the complement: BACH2 is on the minus strand). VCF-style: chr6-90008605-C-A. GRCh37 (hg19) VCF-style: chr6-90718324-C-A.
Other names: c.240G>T, p.Glu80Asp (NM_001170794.2); short protein forms E80D.
Identifiers: ClinVar variation 1395506 (VCV001395506.6), dbSNP rs746464663, ClinGen allele CA365068918.
Genomic context (GRCh38, chr6:90,008,605, plus strand): 5'-AGTTTTCTGTAAGTCAATAAACATTCATTAACAATCACACAAACCAAATTACTGTACCTC[C>A]TCAGGCAAGCTGACCACCAAATCATTTTTTGTCTGTCCAACCAGCGCCTGCCAAAAATAT-3'
Protein context (NP_068585.1, residues 70-90): TKNDLVVSLP[Glu80Asp]EVTARGFGPL